The following is an entry in ClinVar:

ClinVar aggregate classification (germline): Uncertain significance. Review status: criteria provided, multiple submitters, no conflicts (2 of 4 stars). 2 submissions from 2 submitters: Uncertain significance (2). Last evaluated 2025-03-09.

Conditions:
Episodic ataxia type 1 (EA1). Also called: Episodic ataxia/myokymia syndrome; ATAXIA, EPISODIC, WITH MYOKYMIA; MYOKYMIA WITH PERIODIC ATAXIA; PAROXYSMAL ATAXIA WITH NEUROMYOTONIA, HEREDITARY. Identifiers: Orphanet 37612, Orphanet 972, MedGen C1719788, MONDO:0008047, OMIM 160120.

Submissions (2):

Labcorp Genetics (formerly Invitae), Labcorp
Classification: Uncertain significance for Episodic ataxia type 1. Last evaluated: 2025-03-09. Review status: criteria provided, single submitter. Criteria: Invitae Variant Classification Sherloc (09022015). Collection method: clinical testing. Allele origin: germline.
Comment: This sequence change replaces arginine, which is basic and polar, with histidine, which is basic and polar, at codon 142 of the KCNA1 protein (p.Arg142His). This variant is present in population databases (rs746862982, gnomAD 0.007%). This variant has not been reported in the literature in individuals affected with KCNA1-related conditions. Invitae Evidence Modeling of protein sequence and biophysical properties (such as structural, functional, and spatial information, amino acid conservation, physicochemical variation, residue mobility, and thermodynamic stability) has been performed for this missense variant. However, the output from this modeling did not meet the statistical confidence thresholds required to predict the impact of this variant on KCNA1 protein function. In summary, the available evidence is currently insufficient to determine the role of this variant in disease. Therefore, it has been classified as a Variant of Uncertain Significance.

GeneDx
Classification: Uncertain significance. Last evaluated: 2024-12-21. Review status: criteria provided, single submitter. Criteria: GeneDx Variant Classification Process June 2021. Collection method: clinical testing. Allele origin: germline. Affected: yes.
Comment: In silico analysis supports that this missense variant has a deleterious effect on protein structure/function; Has not been previously published as pathogenic or benign to our knowledge

NM_000217.3(KCNA1):c.425G>A (p.Arg142His)

Gene: KCNA1 (potassium voltage-gated channel subfamily A member 1; plus strand). Cytogenetic location: 12p13.32.
Variant type: single nucleotide variant.
Coding change: c.425G>A on transcript NM_000217.3 (MANE Select); coding-DNA position 425, G replaced by A.
Protein change: p.Arg142His; replaces arginine 142 with histidine.
Molecular consequence: missense variant.
Genome position (GRCh38, 1-based): chr12:4,911,803, G>A. VCF-style: chr12-4911803-G-A. GRCh37 (hg19) VCF-style: chr12-5020969-G-A.
Other names: short protein forms R142H.
Identifiers: ClinVar variation 3906761 (VCV003906761.2).